The following is an entry in ClinVar:

NM_198253.3(TERT):c.1906A>G (p.Met636Val)

Gene: TERT (telomerase reverse transcriptase; minus strand). Cytogenetic location: 5p15.33.
Variant type: single nucleotide variant.
Coding change: c.1906A>G on transcript NM_198253.3 (MANE Select); coding-DNA position 1906, A replaced by G.
Protein change: p.Met636Val; replaces methionine 636 with valine.
Molecular consequence: missense variant. On other transcripts: non-coding transcript variant (2).
Genome position (GRCh38, 1-based): chr5:1,280,202, T>C on the plus strand (A>G on the coding strand, the complement: TERT is on the minus strand). VCF-style: chr5-1280202-T-C. GRCh37 (hg19) VCF-style: chr5-1280317-T-C.
Other names: c.1906A>G, p.Met636Val (NM_001193376.3); short protein forms M636V.
Identifiers: ClinVar variation 577332 (VCV000577332.11), dbSNP rs1265160730, ClinGen allele CA359081338.
Genomic context (GRCh38, chr5:1,280,202, plus strand): 5'-ACCAAAGCACAGCCACCCTCTTTTCTCTGCGGAACGTTCTGGCTCCCACGACGTAGTCCA[T>C]GTTCACAATCGGCCGCAGCCCGTCAGGCTTGGGGATGAAGCGGAGTCTGGACGTCAGCAG-3'
Protein context (NP_937983.2, residues 626-646): KPDGLRPIVN[Met636Val]DYVVGARTFR

ClinVar aggregate classification (germline): Uncertain significance. Review status: criteria provided, multiple submitters, no conflicts (2 of 4 stars). 2 submissions from 2 submitters: Uncertain significance (2). Last evaluated 2022-12-29.

Conditions:
Dyskeratosis congenita, autosomal dominant 2. Identifiers: MedGen C3151443, MONDO:0013521, OMIM 613989.
Idiopathic Pulmonary Fibrosis. Also called: Idiopathic fibrosing alveolitis, chronic form; idiopathic fibrosing alveolitis. Identifiers: Orphanet 2032, MedGen C1800706, MeSH D054990, MONDO:0800504.
Dyskeratosis congenita. Identifiers: Orphanet 1775, MedGen C0265965, MONDO:0015780.

Allele frequency attached by ClinVar (database versions not stated): gnomAD exomes below 0.00001.
gnomAD v4.1: 3 of 1,614,080 alleles (0.00019%); highest among the groups gnomAD compares: Admixed American, 0.0017%; no homozygotes.

Submissions (2):

Labcorp Genetics (formerly Invitae), Labcorp
Classification: Uncertain significance for Dyskeratosis congenita, autosomal dominant 2; Idiopathic Pulmonary Fibrosis. Last evaluated: 2022-12-29. Review status: criteria provided, single submitter. Criteria: Invitae Variant Classification Sherloc (09022015). Collection method: clinical testing. Allele origin: germline.
Comment: This sequence change replaces methionine, which is neutral and non-polar, with valine, which is neutral and non-polar, at codon 636 of the TERT protein (p.Met636Val). This variant is present in population databases (no rsID available, gnomAD 0.003%). This variant has not been reported in the literature in individuals affected with TERT-related conditions. ClinVar contains an entry for this variant (Variation ID: 577332). Algorithms developed to predict the effect of missense changes on protein structure and function output the following: SIFT: "Tolerated"; PolyPhen-2: "Benign"; Align-GVGD: "Class C0". The valine amino acid residue is found in multiple mammalian species, which suggests that this missense change does not adversely affect protein function. In summary, the available evidence is currently insufficient to determine the role of this variant in disease. Therefore, it has been classified as a Variant of Uncertain Significance.

Ambry Genetics
Classification: Uncertain significance for Dyskeratosis congenita. Last evaluated: 2022-10-27. Review status: criteria provided, single submitter. Criteria: Ambry Variant Classification Scheme 2023. Collection method: clinical testing. Allele origin: germline.
Comment: The p.M636V variant (also known as c.1906A>G), located in coding exon 4 of the TERT gene, results from an A to G substitution at nucleotide position 1906. The methionine at codon 636 is replaced by valine, an amino acid with highly similar properties. This amino acid position is conserved. In addition, the in silico prediction for this alteration is inconclusive. Since supporting evidence is limited at this time, the clinical significance of this alteration remains unclear.